The following is an entry in ClinVar:

ClinVar aggregate classification (germline): Pathogenic (1 of 4 stars; one submission).

Conditions:
Polycystic kidney disease 4 (PKD4). Also called: PKD3; Autosomal Recessive Polycystic Kidney Disease – PKHD1; POLYCYSTIC KIDNEY AND HEPATIC DISEASE 1; POLYCYSTIC KIDNEY DISEASE, INFANTILE, TYPE I; POLYCYSTIC KIDNEY DISEASE 4 WITH OR WITHOUT POLYCYSTIC LIVER DISEASE. Identifiers: MedGen C4540575, MONDO:0033004, OMIM 263200.

Submission:

Myriad Genetics, Inc.
Classification: Pathogenic for Polycystic kidney disease 4. Last evaluated: 2025-06-20. Review status: criteria provided, single submitter. Criteria: Myriad Autosomal Dominant, Autosomal Recessive and X-Linked Classification Criteria (2023). Collection method: clinical testing. Allele origin: unknown.
Comment: NM_138694.3(PKHD1):c.3554C>G(S1185*) is expected to be pathogenic in the context of autosomal recessive polycystic kidney disease, PKHD1-related. This variant is predicted to lead to an abnormal or absent protein product due to the creation of a premature termination codon in PKHD1, a gene where loss-of-function variants are known to be pathogenic. Please note: this variant was assessed in the context of healthy population screening.

NM_138694.4(PKHD1):c.3554C>G (p.Ser1185Ter)

Gene: PKHD1 (PKHD1 ciliary IPT domain containing fibrocystin/polyductin; minus strand). Cytogenetic location: 6p12.2.
Variant type: single nucleotide variant.
Coding change: c.3554C>G on transcript NM_138694.4 (MANE Select); coding-DNA position 3554, C replaced by G.
Protein change: p.Ser1185Ter; replaces serine 1185 with a stop codon.
Molecular consequence: nonsense.
Genome position (GRCh38, 1-based): chr6:52,028,162, G>C on the plus strand (C>G on the coding strand, the complement: PKHD1 is on the minus strand). VCF-style: chr6-52028162-G-C. GRCh37 (hg19) VCF-style: chr6-51892960-G-C.
Other names: c.3554C>G, p.Ser1185Ter (NM_170724.3); short protein forms S1185*.
Identifiers: ClinVar variation 5014619 (VCV005014619.1).